The following is an entry in ClinVar:

NM_017827.4(SARS2):c.680G>A (p.Arg227Gln)

Gene: SARS2 (seryl-tRNA synthetase 2, mitochondrial; minus strand). Cytogenetic location: 19q13.2.
Variant type: single nucleotide variant.
Coding change: c.680G>A on transcript NM_017827.4 (MANE Select); coding-DNA position 680, G replaced by A.
Protein change: p.Arg227Gln; replaces arginine 227 with glutamine.
Molecular consequence: missense variant.
Genome position (GRCh38, 1-based): chr19:38,919,841, C>T on the plus strand (G>A on the coding strand, the complement: SARS2 is on the minus strand). VCF-style: chr19-38919841-C-T. GRCh37 (hg19) VCF-style: chr19-39410481-C-T.
Other names: c.686G>A, p.Arg229Gln (NM_001145901.2); short protein forms R229Q, R227Q.
Identifiers: ClinVar variation 3019388 (VCV003019388.3), dbSNP rs142751543, ClinGen allele CA9423066.

ClinVar aggregate classification (germline): Uncertain significance. Review status: criteria provided, multiple submitters, no conflicts (2 of 4 stars). 2 submissions from 2 submitters: Uncertain significance (2). Last evaluated 2025-06-12.

Conditions:
Hyperuricemia, pulmonary hypertension, renal failure, alkalosis syndrome (HUPRAS). Also called: HUPRA SYNDROME; HYPERURICEMIA, PULMONARY HYPERTENSION, RENAL FAILURE, AND ALKALOSIS SYNDROME. Identifiers: Orphanet 363694, MedGen C3151209, MONDO:0013458, OMIM 613845.

Allele frequency attached by ClinVar (database versions not stated): gnomAD exomes 0.00002; ExAC 0.00003; gnomAD 0.00008; TOPMed 0.00011; ESP Exome Variant Server 0.00015; 1000 Genomes Project 30x 0.00031; 1000 Genomes Project 0.00040.
gnomAD v4.1: 43 of 1,614,096 alleles (0.0027%); highest among the groups gnomAD compares: African/African-American, 0.025%; no homozygotes.

Submissions (2):

Labcorp Genetics (formerly Invitae), Labcorp
Classification: Uncertain significance. Last evaluated: 2025-06-12. Review status: criteria provided, single submitter. Criteria: Invitae Variant Classification Sherloc (09022015). Collection method: clinical testing. Allele origin: germline.
Comment: This sequence change replaces arginine, which is basic and polar, with glutamine, which is neutral and polar, at codon 227 of the SARS2 protein (p.Arg227Gln). This variant is present in population databases (rs142751543, gnomAD 0.03%). This missense change has been observed in individual(s) with clinical features of SARS2-related conditions (PMID: 36698945). In at least one individual the data is consistent with being in trans (on the opposite chromosome) from a pathogenic variant. ClinVar contains an entry for this variant (Variation ID: 3019388). An algorithm developed to predict the effect of missense changes on protein structure and function (PolyPhen-2) suggests that this variant is likely to be disruptive. In summary, the available evidence is currently insufficient to determine the role of this variant in disease. Therefore, it has been classified as a Variant of Uncertain Significance.

Fulgent Genetics
Classification: Uncertain significance for Hyperuricemia, pulmonary hypertension, renal failure, alkalosis syndrome. Last evaluated: 2024-06-19. Review status: criteria provided, single submitter. Criteria: ACMG Guidelines, 2015. Collection method: clinical testing. Allele origin: germline.

Literature cited by the submitters: PubMed 36698945 (cited by Labcorp Genetics (formerly Invitae), Labcorp).